The following is an entry in ClinVar:

ClinVar aggregate classification (germline): Uncertain significance. Review status: criteria provided, multiple submitters, no conflicts (2 of 4 stars). 2 submissions from 2 submitters: Uncertain significance (2). Last evaluated 2026-01-12.

Conditions:
Primary ciliary dyskinesia. Also called: Ciliary dyskinesia. Identifiers: Orphanet 244, MedGen C0008780, MONDO:0016575, HP:0012265.
Primary ciliary dyskinesia 14. Also called: CILIARY DYSKINESIA, PRIMARY, 14, WITH OR WITHOUT SITUS INVERSUS. Identifiers: Orphanet 244, MedGen C3151136, MONDO:0013434, OMIM 613807.

Allele frequency attached by ClinVar (database versions not stated): TOPMed 0.00004.
gnomAD v4.1: 21 of 1,612,846 alleles (0.0013%); highest among the groups gnomAD compares: Middle Eastern, 0.016%; no homozygotes.

Submissions (2):

Labcorp Genetics (formerly Invitae), Labcorp
Classification: Uncertain significance for Primary ciliary dyskinesia. Last evaluated: 2026-01-12. Review status: criteria provided, single submitter. Criteria: Invitae Variant Classification Sherloc (09022015). Collection method: clinical testing. Allele origin: germline.
Comment: This sequence change replaces arginine, which is basic and polar, with cysteine, which is neutral and slightly polar, at codon 214 of the CCDC39 protein (p.Arg214Cys). This variant is present in population databases (rs749794148, gnomAD 0.004%). This variant has not been reported in the literature in individuals affected with CCDC39-related conditions. ClinVar contains an entry for this variant (Variation ID: 344278). An algorithm developed to predict the effect of missense changes on protein structure and function outputs the following: PolyPhen-2: "Probably Damaging". The cysteine amino acid residue is found in multiple mammalian species, which suggests that this missense change does not adversely affect protein function. In summary, the available evidence is currently insufficient to determine the role of this variant in disease. Therefore, it has been classified as a Variant of Uncertain Significance.

Illumina Laboratory Services, Illumina
Classification: Uncertain significance for Primary ciliary dyskinesia 14. Last evaluated: 2018-01-13. Review status: criteria provided, single submitter. Criteria: ICSL Variant Classification Criteria 13 December 2019. Collection method: clinical testing. Allele origin: germline.

NM_181426.2(CCDC39):c.640C>T (p.Arg214Cys)

Gene: CCDC39 (coiled-coil domain 39 molecular ruler complex subunit; minus strand). Cytogenetic location: 3q26.33.
Variant type: single nucleotide variant.
Coding change: c.640C>T on transcript NM_181426.2 (MANE Select); coding-DNA position 640, C replaced by T.
Protein change: p.Arg214Cys; replaces arginine 214 with cysteine.
Molecular consequence: missense variant.
Genome position (GRCh38, 1-based): chr3:180,659,550, G>A on the plus strand (C>T on the coding strand, the complement: CCDC39 is on the minus strand). VCF-style: chr3-180659550-G-A. GRCh37 (hg19) VCF-style: chr3-180377338-G-A.
Other names: short protein forms R214C.
Identifiers: ClinVar variation 344278 (VCV000344278.9), dbSNP rs749794148, ClinGen allele CA2716115.